The following is an entry in ClinVar:

ClinVar aggregate classification (germline): Uncertain significance. Review status: criteria provided, multiple submitters, no conflicts (2 of 4 stars). 4 submissions from 4 submitters: Uncertain significance (4). Last evaluated 2023-04-11.

Conditions:
Immunodeficiency, common variable, 7. Identifiers: Orphanet 1572, Orphanet 696894, MedGen C3542922, MONDO:0013862, OMIM 614699.
CR2-related disorder. Also called: CR2-related disorders; CR2-related condition.

Allele frequency attached by ClinVar (database versions not stated): gnomAD exomes 0.00002 and 0.00005; gnomAD 0.00004 and 0.00005; TOPMed 0.00007; ExAC 0.00008; ESP Exome Variant Server 0.00008; 1000 Genomes Project 0.00100; 1000 Genomes Project 30x 0.00109.

Submissions (4):

Genome-Nilou Lab
Classification: Uncertain significance for Immunodeficiency, common variable, 7. Last evaluated: 2023-04-11. Review status: criteria provided, single submitter. Criteria: ACMG Guidelines, 2015. Collection method: clinical testing. Allele origin: germline. Affected: no.

PreventionGenetics, part of Exact Sciences
Classification: Uncertain significance for CR2-related condition. Last evaluated: 2022-08-19. Review status: criteria provided, single submitter. Criteria: ACMG Guidelines, 2015. Collection method: clinical testing. Allele origin: germline.
Comment: The CR2 c.1079G>A variant is predicted to result in the amino acid substitution p.Arg360Gln. To our knowledge, this variant has not been reported in the literature. This variant is reported in 0.048% of alleles in individuals of African descent in gnomAD. At this time, the clinical significance of this variant is uncertain due to the absence of conclusive functional and genetic evidence.

Labcorp Genetics (formerly Invitae), Labcorp
Classification: Uncertain significance for Immunodeficiency, common variable, 7. Last evaluated: 2022-08-09. Review status: criteria provided, single submitter. Criteria: Invitae Variant Classification Sherloc (09022015). Collection method: clinical testing. Allele origin: germline.
Comment: This sequence change replaces arginine, which is basic and polar, with glutamine, which is neutral and polar, at codon 360 of the CR2 protein (p.Arg360Gln). This variant is present in population databases (rs139617666, gnomAD 0.05%). This variant has not been reported in the literature in individuals affected with CR2-related conditions. ClinVar contains an entry for this variant (Variation ID: 812044). Algorithms developed to predict the effect of missense changes on protein structure and function output the following: SIFT: "Tolerated"; PolyPhen-2: "Benign"; Align-GVGD: "Class C0". The glutamine amino acid residue is found in multiple mammalian species, which suggests that this missense change does not adversely affect protein function. In summary, the available evidence is currently insufficient to determine the role of this variant in disease. Therefore, it has been classified as a Variant of Uncertain Significance.

ARUP Laboratories, Molecular Genetics and Genomics, ARUP Laboratories
Classification: Uncertain significance. Last evaluated: 2019-06-18. Review status: criteria provided, single submitter. Criteria: ARUP Molecular Germline Variant Investigation Process. Collection method: clinical testing. Allele origin: germline.
Comment: The CR2 c.1079G>A; p.Arg360Gln variant (rs139617666), to our knowledge, is not reported in the medical literature or gene specific databases. This variant is found in the African population with an allele frequency of 0.048% (12/24954 alleles) in the Genome Aggregation Database. The arginine at codon 360 is weakly conserved, and computational analyses (SIFT, PolyPhen-2) predict that this variant is tolerated. Due to limited information, the clinical significance of the p.Arg360Gln variant is uncertain at this time.

NM_001006658.3(CR2):c.1079G>A (p.Arg360Gln)

Genes: CR2 (complement C3d receptor 2; plus strand), LOC126805994 (BRD4-independent group 4 enhancer GRCh37_chr1:207642622-207643821; plus strand). Cytogenetic location: 1q32.2.
Variant type: single nucleotide variant.
Coding change: c.1079G>A on transcript NM_001006658.3 (MANE Select); coding-DNA position 1079, G replaced by A.
Protein change: p.Arg360Gln; replaces arginine 360 with glutamine.
Molecular consequence: missense variant.
Genome position (GRCh38, 1-based): chr1:207,469,956, G>A. VCF-style: chr1-207469956-G-A. GRCh37 (hg19) VCF-style: chr1-207643301-G-A.
Other names: c.1079G>A, p.Arg360Gln (NM_001877.5); short protein forms R360Q.
Identifiers: ClinVar variation 812044 (VCV000812044.14), dbSNP rs139617666, ClinGen allele CA1368622.